The following is an entry in ClinVar:

NM_198253.3(TERT):c.2207A>G (p.Gln736Arg)

Gene: TERT (telomerase reverse transcriptase; minus strand). Cytogenetic location: 5p15.33.
Variant type: single nucleotide variant.
Coding change: c.2207A>G on transcript NM_198253.3 (MANE Select); coding-DNA position 2207, A replaced by G.
Protein change: p.Gln736Arg; replaces glutamine 736 with arginine.
Molecular consequence: missense variant. On other transcripts: non-coding transcript variant (2).
Genome position (GRCh38, 1-based): chr5:1,278,720, T>C on the plus strand (A>G on the coding strand, the complement: TERT is on the minus strand). VCF-style: chr5-1278720-T-C. GRCh37 (hg19) VCF-style: chr5-1278835-T-C.
Other names: c.2207A>G, p.Gln736Arg (NM_001193376.3); short protein forms Q736R.
Identifiers: ClinVar variation 1043766 (VCV001043766.6), dbSNP rs1749790259, ClinGen allele CA359079332.

ClinVar aggregate classification (germline): Uncertain significance (1 of 4 stars; one submission).

Conditions:
Idiopathic Pulmonary Fibrosis. Also called: Idiopathic fibrosing alveolitis, chronic form; idiopathic fibrosing alveolitis. Identifiers: Orphanet 2032, MedGen C1800706, MeSH D054990, MONDO:0800504.
Dyskeratosis congenita, autosomal dominant 2. Identifiers: MedGen C3151443, MONDO:0013521, OMIM 613989.

Submission:

Labcorp Genetics (formerly Invitae), Labcorp
Classification: Uncertain significance for Dyskeratosis congenita, autosomal dominant 2; Idiopathic Pulmonary Fibrosis. Last evaluated: 2021-08-31. Review status: criteria provided, single submitter. Criteria: Invitae Variant Classification Sherloc (09022015). Collection method: clinical testing. Allele origin: germline.
Comment: This sequence change replaces glutamine with arginine at codon 736 of the TERT protein (p.Gln736Arg). The glutamine residue is weakly conserved and there is a small physicochemical difference between glutamine and arginine. This variant is not present in population databases (ExAC no frequency). This variant has not been reported in the literature in individuals affected with TERT-related conditions. Algorithms developed to predict the effect of missense changes on protein structure and function (SIFT, PolyPhen-2, Align-GVGD) all suggest that this variant is likely to be tolerated. In summary, the available evidence is currently insufficient to determine the role of this variant in disease. Therefore, it has been classified as a Variant of Uncertain Significance.